The following is an entry in ClinVar:

NM_001709.5(BDNF):c.81A>C (p.Arg27=)

Genes: BDNF (brain derived neurotrophic factor; minus strand), BDNF-AS (BDNF antisense RNA; plus strand). Cytogenetic location: 11p14.1.
Variant type: single nucleotide variant.
Coding change: c.81A>C on transcript NM_001709.5 (MANE Select); coding-DNA position 81, A replaced by C.
Protein change: p.Arg27=; no amino-acid change (arginine 27 retained).
Molecular consequence: synonymous variant.
Genome position (GRCh38, 1-based): chr11:27,658,484, T>G on the plus strand (A>C on the coding strand, the complement: BDNF is on the minus strand). VCF-style: chr11-27658484-T-G. GRCh37 (hg19) VCF-style: chr11-27680031-T-G.
Other names: c.81A>C, p.Arg27= (NM_001143805.1, NM_001143806.1, NM_001143807.2 and 9 more transcripts); c.168A>C, p.Arg56= (NM_001143809.2); c.327A>C, p.Arg109= (NM_001143810.2); c.105A>C, p.Arg35= (NM_170731.5); c.126A>C, p.Arg42= (NM_170734.4).
Identifiers: ClinVar variation 3353023 (VCV003353023.1).

ClinVar aggregate classification (germline): Likely benign (0 of 4 stars; one submission).

Conditions:
BDNF-related disorder. Also called: BDNF-related condition.

Submission:

PreventionGenetics, part of Exact Sciences
Classification: Likely benign for BDNF-related condition. Last evaluated: 2021-01-19. Review status: no assertion criteria provided. Collection method: clinical testing. Allele origin: germline.
Comment: This variant is classified as likely benign based on ACMG/AMP sequence variant interpretation guidelines (Richards et al. 2015 PMID: 25741868, with internal and published modifications).